The following is an entry in ClinVar:

NM_015559.3(SETBP1):c.2783T>C (p.Leu928Pro)

Gene: SETBP1 (SET binding protein 1; plus strand). Cytogenetic location: 18q12.3.
Variant type: single nucleotide variant.
Coding change: c.2783T>C on transcript NM_015559.3 (MANE Select); coding-DNA position 2783, T replaced by C.
Protein change: p.Leu928Pro; replaces leucine 928 with proline.
Molecular consequence: missense variant.
Genome position (GRCh38, 1-based): chr18:44,952,123, T>C. VCF-style: chr18-44952123-T-C. GRCh37 (hg19) VCF-style: chr18-42532088-T-C.
Other names: c.2783T>C, p.Leu928Pro (NM_001379141.1, NM_001379142.1, NM_001410862.1); short protein forms L928P.
Identifiers: ClinVar variation 1708288 (VCV001708288.2), dbSNP rs2511473263, ClinGen allele CA402322202.

ClinVar aggregate classification (germline): Uncertain significance (1 of 4 stars; one submission).

Submission:

Centre of Medical Genetics, University Hospital Muenster
Classification: Uncertain significance. Last evaluated: 2021-12-08. Review status: criteria provided, single submitter. Criteria: ACMG Guidelines, 2015. Collection method: clinical testing. Allele origin: unknown. Affected: yes. Observed: 1 variant allele, 1 heterozygote.
Comment: ACMG categories: PM1,PM2,PP3